The following is an entry in ClinVar:

NM_000238.4(KCNH2):c.76+5G>A

Gene: KCNH2 (potassium voltage-gated channel subfamily H member 2; minus strand). Cytogenetic location: 7q36.1.
Variant type: single nucleotide variant.
Coding change: c.76+5G>A on transcript NM_000238.4 (MANE Select); 5 bases into the intron after coding-DNA position 76, G replaced by A.
Molecular consequence: intron variant.
Genome position (GRCh38, 1-based): chr7:150,977,833, C>T on the plus strand (G>A on the coding strand, the complement: KCNH2 is on the minus strand). VCF-style: chr7-150977833-C-T. GRCh37 (hg19) VCF-style: chr7-150674921-C-T.
Other names: c.76+5G>A (NM_172056.3).
Identifiers: ClinVar variation 1008813 (VCV001008813.9), dbSNP rs1802015561, ClinGen allele CA1752446225.
Genomic context (GRCh38, chr7:150,977,833, plus strand): 5'-CACACTCGGAAGAGCTCGGCCCGCCCCCAGAGCCCCCTCCCCGCTCAGCCCCCTCCCCCA[C>T]TCACTCTGGCCCTCAAACTTGCGGATGATGGTGTCCAGGAAGGTGTTCTGCGGCGCGACG-3'

ClinVar aggregate classification (germline): Uncertain significance. Review status: criteria provided, multiple submitters, no conflicts (2 of 4 stars). 2 submissions from 2 submitters: Uncertain significance (2). Last evaluated 2023-12-01.

Conditions:
Long QT syndrome (LQTS). Identifiers: MedGen C0023976, MeSH D008133, MONDO:0002442. Disease mechanism: loss of function. Inheritance: Various modes of inheritance.

Allele frequency attached by ClinVar (database versions not stated): gnomAD exomes below 0.00001.
gnomAD v4.1: 1 of 1,591,206 alleles (0.000063%); highest among the groups gnomAD compares: Non-Finnish European, 0.000086%; no homozygotes.

Submissions (2):

Blueprint Genetics
Classification: Uncertain significance. Last evaluated: 2023-12-01. Review status: criteria provided, single submitter. Criteria: ACMG Guidelines, 2015. Collection method: clinical testing. Allele origin: germline.

Labcorp Genetics (formerly Invitae), Labcorp
Classification: Uncertain significance for Long QT syndrome. Last evaluated: 2020-11-10. Review status: criteria provided, single submitter. Criteria: Invitae Variant Classification Sherloc (09022015). Collection method: clinical testing. Allele origin: germline.
Comment: In summary, the available evidence is currently insufficient to determine the role of this variant in disease. Therefore, it has been classified as a Variant of Uncertain Significance. Nucleotide substitutions within the consensus splice site are a relatively common cause of aberrant splicing (PMID: 17576681, 9536098). Algorithms developed to predict the effect of sequence changes on RNA splicing suggest that this variant may disrupt the consensus splice site, but this prediction has not been confirmed by published transcriptional studies. This variant has not been reported in the literature in individuals with KCNH2-related conditions. This variant is not present in population databases (ExAC no frequency). This sequence change falls in intron 1 of the KCNH2 gene. It does not directly change the encoded amino acid sequence of the KCNH2 protein, but it affects a nucleotide within the consensus splice site of the intron.

Literature cited by the submitters: PubMed 17576681 (cited by Labcorp Genetics (formerly Invitae), Labcorp); PubMed 9536098 (cited by Labcorp Genetics (formerly Invitae), Labcorp).